The following is an entry in ClinVar:

ClinVar aggregate classification (germline): Likely benign (0 of 4 stars; one submission).

Conditions:
KCNQ1-related disorder. Also called: KCNQ1-related disorders; KCNQ1-related condition. Identifiers: MedGen CN239322.

Allele frequency attached by ClinVar (database versions not stated): gnomAD exomes 0.00009; 1000 Genomes Project 30x 0.00031; 1000 Genomes Project 0.00040; gnomAD 0.00066; TOPMed 0.00071.
gnomAD v4.1: 122 of 398,544 alleles (0.031%); highest among the groups gnomAD compares: African/African-American, 0.25%; no homozygotes.

Submission:

PreventionGenetics, part of Exact Sciences
Classification: Likely benign for KCNQ1-related condition. Last evaluated: 2023-04-05. Review status: no assertion criteria provided. Collection method: clinical testing. Allele origin: germline.
Comment: This variant is classified as likely benign based on ACMG/AMP sequence variant interpretation guidelines (Richards et al. 2015 PMID: 25741868, with internal and published modifications).

NM_000218.3(KCNQ1):c.1393+24310C>A

Genes: KCNQ1 (potassium voltage-gated channel subfamily Q member 1; plus strand), KCNQ1OT1 (KCNQ1 opposite strand/antisense transcript 1; minus strand). Cytogenetic location: 11p15.5.
Variant type: single nucleotide variant.
Coding change: c.1393+24310C>A on transcript NM_000218.3 (MANE Select); 24310 bases into the intron after coding-DNA position 1393, C replaced by A.
Molecular consequence: intron variant. On other transcripts: non-coding transcript variant (1).
Genome position (GRCh38, 1-based): chr11:2,613,164, C>A. VCF-style: chr11-2613164-C-A. GRCh37 (hg19) VCF-style: chr11-2634394-C-A.
Other names: c.1123+24310C>A (NM_001406837.1); c.1297+24310C>A (NM_001406836.1); c.853+24310C>A (NM_001406838.1); c.1012+24310C>A (NM_181798.2).
Identifiers: ClinVar variation 3029960 (VCV003029960.2), dbSNP rs142286686, ClinGen allele CA216358084.